The following is an entry in ClinVar:

NM_000179.3(MSH6):c.1156C>T (p.Pro386Ser)

Gene: MSH6 (mutS homolog 6; plus strand). Cytogenetic location: 2p16.3.
Variant type: single nucleotide variant.
Coding change: c.1156C>T on transcript NM_000179.3 (MANE Select); coding-DNA position 1156, C replaced by T.
Protein change: p.Pro386Ser; replaces proline 386 with serine.
Molecular consequence: missense variant.
Genome position (GRCh38, 1-based): chr2:47,799,139, C>T. VCF-style: chr2-47799139-C-T. GRCh37 (hg19) VCF-style: chr2-48026278-C-T.
Other names: c.766C>T, p.Pro256Ser (NM_001281492.2); c.250C>T, p.Pro84Ser (NM_001281493.2, NM_001281494.2); short protein forms P256S, P386S, P84S.
Identifiers: ClinVar variation 1318745 (VCV001318745.7), dbSNP rs2104323645, ClinGen allele CA346742236.
Genomic context (GRCh38, chr2:47,799,139, plus strand): 5'-TATCATGAAACTTTAGAATGGCTTAAGGAGGAAAAGAGAAGAGATGAGCACAGGAGGAGG[C>T]CTGATCACCCCGATTTTGATGCATCTACACTCTATGTGCCTGAGGATTTCCTCAATTCTT-3'
Protein context (NP_000170.1, residues 376-396): EKRRDEHRRR[Pro386Ser]DHPDFDASTL

ClinVar aggregate classification (germline): Uncertain significance. Review status: criteria provided, multiple submitters, no conflicts (2 of 4 stars). 3 submissions from 3 submitters: Uncertain significance (3). Last evaluated 2025-05-18.

Conditions:
Hereditary nonpolyposis colorectal neoplasms. Identifiers: MedGen C0009405, MeSH D003123.
Hereditary cancer-predisposing syndrome. Also called: Hereditary neoplastic syndrome; Neoplastic Syndromes, Hereditary; Tumor predisposition; Hereditary Cancer Syndrome. Identifiers: Orphanet 140162, MedGen C0027672, MeSH D009386, MONDO:0015356.

Submissions (3):

Labcorp Genetics (formerly Invitae), Labcorp
Classification: Uncertain significance for Hereditary nonpolyposis colorectal neoplasms. Last evaluated: 2025-05-18. Review status: criteria provided, single submitter. Criteria: Invitae Variant Classification Sherloc (09022015). Collection method: clinical testing. Allele origin: germline.
Comment: This sequence change replaces proline, which is neutral and non-polar, with serine, which is neutral and polar, at codon 386 of the MSH6 protein (p.Pro386Ser). This variant is not present in population databases (gnomAD no frequency). This variant has not been reported in the literature in individuals affected with MSH6-related conditions. ClinVar contains an entry for this variant (Variation ID: 1318745). Invitae Evidence Modeling of protein sequence and biophysical properties (such as structural, functional, and spatial information, amino acid conservation, physicochemical variation, residue mobility, and thermodynamic stability) indicates that this missense variant is not expected to disrupt MSH6 protein function with a negative predictive value of 95%. In summary, the available evidence is currently insufficient to determine the role of this variant in disease. Therefore, it has been classified as a Variant of Uncertain Significance.

Ambry Genetics
Classification: Uncertain significance for Hereditary cancer-predisposing syndrome. Last evaluated: 2021-05-12. Review status: criteria provided, single submitter. Criteria: Ambry Variant Classification Scheme 2023. Collection method: clinical testing. Allele origin: germline.
Comment: The p.P386S variant (also known as c.1156C>T), located in coding exon 4 of the MSH6 gene, results from a C to T substitution at nucleotide position 1156. The proline at codon 386 is replaced by serine, an amino acid with similar properties. This amino acid position is not well conserved in available vertebrate species. In addition, the in silico prediction for this alteration is inconclusive. Since supporting evidence is limited at this time, the clinical significance of this alteration remains unclear.

GeneDx
Classification: Uncertain significance. Last evaluated: 2019-07-05. Review status: criteria provided, single submitter. Criteria: GeneDx Variant Classification Process June 2021. Collection method: clinical testing. Allele origin: germline. Affected: yes.
Comment: Not observed in large population cohorts (Lek et al., 2016); In silico analysis, which includes protein predictors and evolutionary conservation, supports a deleterious effect; Has not been previously published as pathogenic or benign to our knowledge